The following is an entry in ClinVar:

NM_178138.6(LHX3):c.572C>A (p.Ser191Ter)

Gene: LHX3 (LIM homeobox 3; minus strand). Cytogenetic location: 9q34.3.
Variant type: single nucleotide variant.
Coding change: c.572C>A on transcript NM_178138.6 (MANE Select); coding-DNA position 572, C replaced by A.
Protein change: p.Ser191Ter; replaces serine 191 with a stop codon.
Molecular consequence: nonsense.
Genome position (GRCh38, 1-based): chr9:136,198,942, G>T on the plus strand (C>A on the coding strand, the complement: LHX3 is on the minus strand). VCF-style: chr9-136198942-G-T. GRCh37 (hg19) VCF-style: chr9-139090788-G-T.
Other names: c.539C>A, p.Ser180Ter (NM_001363746.1); c.587C>A, p.Ser196Ter (NM_014564.5); c.587C>A (NM_014564.4); short protein forms S180*, S191*, S196*.
Identifiers: ClinVar variation 1451723 (VCV001451723.7), dbSNP rs1441753402, ClinGen allele CA375519613.

ClinVar aggregate classification (germline): Pathogenic/Likely pathogenic. Review status: criteria provided, multiple submitters, no conflicts (2 of 4 stars). 2 submissions from 2 submitters: Pathogenic (1); Likely pathogenic (1). Last evaluated 2025-10-21.

Conditions:
Non-acquired combined pituitary hormone deficiency with spine abnormalities (CPHD3). Also called: Winkelman Bethge Pfeiffer syndrome; WBP syndrome; Combined pituitary hormone deficiency type 3. Identifiers: MONDO:0009091, OMIM 221750, Orphanet 231720, MedGen C3489787.

Submissions (2):

Natera, Inc.
Classification: Likely pathogenic for Combined pituitary hormone deficiency type 3. Last evaluated: 2025-10-21. Review status: criteria provided, single submitter. Criteria: Natera Variant Classification Schema (03/2026). Collection method: clinical testing. Allele origin: germline.
Comment: The c.587C>A variant in LHX3 is a nonsense variant predicted to introduce a stop codon at amino acid 196. This variant is expected to result in nonsense mediated decay, truncation, or a dysfunctional protein product. This variant is rare in the general population with a frequency below the threshold expected for the associated phenotype(s). Given the available evidence, this variant is classified as Likely Pathogenic.

Labcorp Genetics (formerly Invitae), Labcorp
Classification: Pathogenic. Last evaluated: 2023-06-24. Review status: criteria provided, single submitter. Criteria: Invitae Variant Classification Sherloc (09022015). Collection method: clinical testing. Allele origin: germline.
Comment: This variant is not present in population databases (gnomAD no frequency). This variant has not been reported in the literature in individuals affected with LHX3-related conditions. This sequence change creates a premature translational stop signal (p.Ser196*) in the LHX3 gene. It is expected to result in an absent or disrupted protein product. Loss-of-function variants in LHX3 are known to be pathogenic (PMID: 16394081, 18407919). ClinVar contains an entry for this variant (Variation ID: 1451723). For these reasons, this variant has been classified as Pathogenic.

Literature cited by the submitters: PubMed 16394081 (cited by Labcorp Genetics (formerly Invitae), Labcorp); PubMed 18407919 (cited by Labcorp Genetics (formerly Invitae), Labcorp).